The following is an entry in ClinVar:

ClinVar aggregate classification (germline): Uncertain significance. Review status: criteria provided, multiple submitters, no conflicts (2 of 4 stars). 2 submissions from 2 submitters: Uncertain significance (2). Last evaluated 2026-03-01.

gnomAD v4.1: 25 of 1,613,814 alleles (0.0015%); highest among the groups gnomAD compares: Non-Finnish European, 0.0021%; no homozygotes.

Submissions (2):

GeneDx
Classification: Uncertain significance. Last evaluated: 2026-03-01. Review status: criteria provided, single submitter. Criteria: GeneDx Variant Classification Process June 2021. Collection method: clinical testing. Allele origin: germline.
Comment: Not observed at significant frequency in large population cohorts (gnomAD); In silico analysis supports that this missense variant has a deleterious effect on protein structure/function; Has not been previously published as pathogenic or benign to our knowledge

Blueprint Genetics
Classification: Uncertain significance. Last evaluated: 2024-08-29. Review status: criteria provided, single submitter. Criteria: ACMG Guidelines, 2015. Collection method: clinical testing. Allele origin: germline.

NM_032119.4(ADGRV1):c.8437G>T (p.Val2813Phe)

Gene: ADGRV1 (adhesion G protein-coupled receptor V1; plus strand). Cytogenetic location: 5q14.3.
Variant type: single nucleotide variant.
Coding change: c.8437G>T on transcript NM_032119.4 (MANE Select); coding-DNA position 8437, G replaced by T.
Protein change: p.Val2813Phe; replaces valine 2813 with phenylalanine.
Molecular consequence: missense variant. On other transcripts: non-coding transcript variant (1).
Genome position (GRCh38, 1-based): chr5:90,705,450, G>T. VCF-style: chr5-90705450-G-T. GRCh37 (hg19) VCF-style: chr5-90001267-G-T.
Other names: short protein forms V2813F.
Identifiers: ClinVar variation 4891330 (VCV004891330.1).